The following is an entry in ClinVar:

ClinVar aggregate classification (germline): Uncertain significance (1 of 4 stars; one submission).

Submission:

Labcorp Genetics (formerly Invitae), Labcorp
Classification: Uncertain significance. Last evaluated: 2025-08-20. Review status: criteria provided, single submitter. Criteria: Invitae Variant Classification Sherloc (09022015). Collection method: clinical testing. Allele origin: germline.
Comment: This variant, c.1540_1542del, results in the deletion of 1 amino acid(s) of the MICAL1 protein (p.Asn514del), but otherwise preserves the integrity of the reading frame. This variant is present in population databases (rs766443242, gnomAD 0.02%). This variant has not been reported in the literature in individuals affected with MICAL1-related conditions. Experimental studies and prediction algorithms are not available or were not evaluated, and the functional significance of this variant is currently unknown. Algorithms developed to predict the effect of sequence changes on RNA splicing suggest that this variant may disrupt the consensus splice site. In summary, the available evidence is currently insufficient to determine the role of this variant in disease. Therefore, it has been classified as a Variant of Uncertain Significance.

NM_022765.4(MICAL1):c.1480AAC[1] (p.Asn495del)

Gene: MICAL1 (microtubule associated monooxygenase, calponin and LIM domain containing 1; minus strand). Cytogenetic location: 6q21.
Variant type: Microsatellite.
Coding change: c.1480AAC[1] on transcript NM_022765.4 (MANE Select); one copy of the 3-base unit AAC starting at c.1480; the reference has two copies in a row; one copy, 3 bases deleted.
Protein change: p.Asn495del; deletes asparagine 495.
Molecular consequence: inframe deletion.
Genome position (GRCh38, 1-based): chr6:109,449,431-109,449,433, GTT deleted on the plus strand (AAC on the coding strand, the reverse complement: MICAL1 is on the minus strand); deleting any 3 consecutive bases within chr6:109,449,431-109,449,436 gives the same sequence; the position shown is the placement nearest the transcript's 3' end. VCF-style (leftmost placement, unchanged base first): chr6-109449430-CGTT-C. GRCh37 (hg19) VCF-style: chr6-109770633-CGTT-C.
Other names: c.1222AAC[1], p.Asn409del (NM_001159291.2); c.1537AAC[1], p.Asn514del (NM_001286613.2); short protein forms N409del, N514del, N495del.
Identifiers: ClinVar variation 1946634 (VCV001946634.5), dbSNP rs766443242, ClinGen allele CA3953376.